The following is an entry in ClinVar:

NM_001084.5(PLOD3):c.1940G>C (p.Arg647Pro)

Gene: PLOD3 (procollagen-lysine,2-oxoglutarate 5-dioxygenase 3; minus strand). Cytogenetic location: 7q22.1.
Variant type: single nucleotide variant.
Coding change: c.1940G>C on transcript NM_001084.5 (MANE Select); coding-DNA position 1940, G replaced by C.
Protein change: p.Arg647Pro; replaces arginine 647 with proline.
Molecular consequence: missense variant.
Genome position (GRCh38, 1-based): chr7:101,206,900, C>G on the plus strand (G>C on the coding strand, the complement: PLOD3 is on the minus strand). VCF-style: chr7-101206900-C-G. GRCh37 (hg19) VCF-style: chr7-100850181-C-G.
Other names: short protein forms R647P.
Identifiers: ClinVar variation 3674348 (VCV003674348.2).
Genomic context (GRCh38, chr7:101,206,900, plus strand): 5'-TGTGGCCGCAGAGACGGCTGCTCGTCTGGCCGGTAGCGAACCACAAAGTTCATCACCGCC[C>G]GCGCCTGGGGGAGAGGAGGGAAGAGGCTGCAGGGACAGCTGCGGGCGCAGGGGGTCTTTT-3'
Protein context (NP_001075.1, residues 637-657): SLFPGYHTKA[Arg647Pro]AVMNFVVRYR

ClinVar aggregate classification (germline): Uncertain significance (1 of 4 stars; one submission).

Submission:

Labcorp Genetics (formerly Invitae), Labcorp
Classification: Uncertain significance. Last evaluated: 2024-06-17. Review status: criteria provided, single submitter. Criteria: Invitae Variant Classification Sherloc (09022015). Collection method: clinical testing. Allele origin: germline.
Comment: This sequence change replaces arginine, which is basic and polar, with proline, which is neutral and non-polar, at codon 647 of the PLOD3 protein (p.Arg647Pro). This variant is not present in population databases (gnomAD no frequency). This variant has not been reported in the literature in individuals affected with PLOD3-related conditions. Advanced modeling of protein sequence and biophysical properties (such as structural, functional, and spatial information, amino acid conservation, physicochemical variation, residue mobility, and thermodynamic stability) performed at Invitae indicates that this missense variant is not expected to disrupt PLOD3 protein function with a negative predictive value of 80%. In summary, the available evidence is currently insufficient to determine the role of this variant in disease. Therefore, it has been classified as a Variant of Uncertain Significance.